The following is an entry in ClinVar:

ClinVar aggregate classification (germline): Uncertain significance (1 of 4 stars; one submission).

Allele frequency attached by ClinVar (database versions not stated): gnomAD exomes below 0.00001.

Submission:

Ambry Genetics
Classification: Uncertain significance. Last evaluated: 2023-03-18. Review status: criteria provided, single submitter. Criteria: Ambry Variant Classification Scheme 2023. Collection method: clinical testing. Allele origin: germline.
Comment: The p.S389N variant (also known as c.1166G>A), located in coding exon 5 of the MNDA gene, results from a G to A substitution at nucleotide position 1166. The serine at codon 389 is replaced by asparagine, an amino acid with highly similar properties. This amino acid position is conserved. In addition, this alteration is predicted to be tolerated by in silico analysis. Since supporting evidence is limited at this time, the clinical significance of this alteration remains unclear.

NM_002432.3(MNDA):c.1166G>A (p.Ser389Asn)

Gene: MNDA (myeloid cell nuclear differentiation antigen; plus strand). Cytogenetic location: 1q23.1.
Variant type: single nucleotide variant.
Coding change: c.1166G>A on transcript NM_002432.3 (MANE Select); coding-DNA position 1166, G replaced by A.
Protein change: p.Ser389Asn; replaces serine 389 with asparagine.
Molecular consequence: missense variant.
Genome position (GRCh38, 1-based): chr1:158,847,906, G>A. VCF-style: chr1-158847906-G-A. GRCh37 (hg19) VCF-style: chr1-158817696-G-A.
Other names: short protein forms S389N.
Identifiers: ClinVar variation 2563135 (VCV002563135.2), dbSNP rs972713447, ClinGen allele CA31308055.
Genomic context (GRCh38, chr1:158,847,906, plus strand): 5'-TCTTCTGCCTTCAACTGAGAACAGTTGACCGCAAGCTGAAACTGGTGTGTGGAAGTCACA[G>A]CTTCATCAAGGTGGGAACTGGATAGAGGAGAATGAGTTTGCTAAAGAGGCAAATAATTTT-3'
Protein context (NP_002423.1, residues 379-399): RKLKLVCGSH[Ser389Asn]FIKVIKAKKN